The following is an entry in ClinVar:

NM_001876.4(CPT1A):c.433C>T (p.Arg145Cys)

Gene: CPT1A (carnitine palmitoyltransferase 1A; minus strand). Cytogenetic location: 11q13.3.
Variant type: single nucleotide variant.
Coding change: c.433C>T on transcript NM_001876.4 (MANE Select); coding-DNA position 433, C replaced by T.
Protein change: p.Arg145Cys; replaces arginine 145 with cysteine.
Molecular consequence: missense variant.
Genome position (GRCh38, 1-based): chr11:68,807,487, G>A on the plus strand (C>T on the coding strand, the complement: CPT1A is on the minus strand). VCF-style: chr11-68807487-G-A. GRCh37 (hg19) VCF-style: chr11-68574955-G-A.
Other names: c.433C>T, p.Arg145Cys (NM_001031847.3); short protein forms R145C.
Identifiers: ClinVar variation 1062845 (VCV001062845.8), dbSNP rs763241992, ClinGen allele CA6152686.

ClinVar aggregate classification (germline): Uncertain significance. Review status: criteria provided, single submitter (1 of 4 stars). 2 submissions from 2 submitters: Uncertain significance (1). 1 of the submissions does not count toward it. Last evaluated 2024-11-02.

Conditions:
Carnitine palmitoyl transferase 1A deficiency. Also called: CPT deficiency, hepatic, type IA; Carnitine palmitoyltransferase type I deficiency; Carnitine palmitoyltransferase 1A deficiency; CPT I DEFICIENCY; CPT DEFICIENCY, HEPATIC, TYPE I. Identifiers: Orphanet 156, MedGen C1829703, MONDO:0009705, OMIM 255120.

Submissions (2):

Labcorp Genetics (formerly Invitae), Labcorp
Classification: Uncertain significance for Carnitine palmitoyl transferase 1A deficiency. Last evaluated: 2024-11-02. Review status: criteria provided, single submitter. Criteria: Invitae Variant Classification Sherloc (09022015). Collection method: clinical testing. Allele origin: germline.
Comment: This sequence change replaces arginine, which is basic and polar, with cysteine, which is neutral and slightly polar, at codon 145 of the CPT1A protein (p.Arg145Cys). This variant is present in population databases (rs763241992, gnomAD 0.003%). This variant has not been reported in the literature in individuals affected with CPT1A-related conditions. ClinVar contains an entry for this variant (Variation ID: 1062845). Invitae Evidence Modeling of protein sequence and biophysical properties (such as structural, functional, and spatial information, amino acid conservation, physicochemical variation, residue mobility, and thermodynamic stability) indicates that this missense variant is not expected to disrupt CPT1A protein function with a negative predictive value of 95%. In summary, the available evidence is currently insufficient to determine the role of this variant in disease. Therefore, it has been classified as a Variant of Uncertain Significance.

Natera, Inc.
Classification: Uncertain significance for Carnitine palmitoyltransferase type I deficiency. Last evaluated: 2021-09-02. Review status: no assertion criteria provided. Collection method: clinical testing. Allele origin: germline. Not counted in ClinVar's aggregate classification.